The following is an entry in ClinVar:

NM_001128148.3(TFRC):c.1379C>T (p.Ser460Leu)

Gene: TFRC (transferrin receptor; minus strand). Cytogenetic location: 3q29.
Variant type: single nucleotide variant.
Coding change: c.1379C>T on transcript NM_001128148.3 (MANE Select); coding-DNA position 1379, C replaced by T.
Protein change: p.Ser460Leu; replaces serine 460 with leucine.
Molecular consequence: missense variant.
Genome position (GRCh38, 1-based): chr3:196,062,879, G>A on the plus strand (C>T on the coding strand, the complement: TFRC is on the minus strand). VCF-style: chr3-196062879-G-A. GRCh37 (hg19) VCF-style: chr3-195789750-G-A.
Other names: c.1136C>T, p.Ser379Leu (NM_001313965.2); c.533C>T, p.Ser178Leu (NM_001313966.2); c.1379C>T, p.Ser460Leu (NM_003234.4); short protein forms S460L, S379L, S178L.
Identifiers: ClinVar variation 2976579 (VCV002976579.3), dbSNP rs781649382, ClinGen allele CA2777946.

ClinVar aggregate classification (germline): Uncertain significance (1 of 4 stars; one submission).

Allele frequency attached by ClinVar (database versions not stated): gnomAD exomes 0.00001; gnomAD 0.00002; TOPMed 0.00002; ExAC 0.00003.
gnomAD v4.1: 18 of 1,613,950 alleles (0.0011%); highest among the groups gnomAD compares: Middle Eastern, 0.033%; no homozygotes.

Submission:

Labcorp Genetics (formerly Invitae), Labcorp
Classification: Uncertain significance. Last evaluated: 2024-07-05. Review status: criteria provided, single submitter. Criteria: Invitae Variant Classification Sherloc (09022015). Collection method: clinical testing. Allele origin: germline.
Comment: This sequence change replaces serine, which is neutral and polar, with leucine, which is neutral and non-polar, at codon 460 of the TFRC protein (p.Ser460Leu). This variant is present in population databases (rs781649382, gnomAD 0.005%). This variant has not been reported in the literature in individuals affected with TFRC-related conditions. Advanced modeling of protein sequence and biophysical properties (such as structural, functional, and spatial information, amino acid conservation, physicochemical variation, residue mobility, and thermodynamic stability) performed at Invitae indicates that this missense variant is not expected to disrupt TFRC protein function with a negative predictive value of 80%. In summary, the available evidence is currently insufficient to determine the role of this variant in disease. Therefore, it has been classified as a Variant of Uncertain Significance.